The following is an entry in ClinVar:

ClinVar aggregate classification (germline): Uncertain significance (1 of 4 stars; one submission).

Allele frequency attached by ClinVar (database versions not stated): gnomAD exomes below 0.00001.

Submission:

Labcorp Genetics (formerly Invitae), Labcorp
Classification: Uncertain significance. Last evaluated: 2023-12-11. Review status: criteria provided, single submitter. Criteria: Invitae Variant Classification Sherloc (09022015). Collection method: clinical testing. Allele origin: germline.
Comment: This sequence change replaces serine, which is neutral and polar, with glycine, which is neutral and non-polar, at codon 162 of the FAM111A protein (p.Ser162Gly). This variant is not present in population databases (gnomAD no frequency). This variant has not been reported in the literature in individuals affected with FAM111A-related conditions. Advanced modeling of protein sequence and biophysical properties (such as structural, functional, and spatial information, amino acid conservation, physicochemical variation, residue mobility, and thermodynamic stability) performed at Invitae indicates that this missense variant is not expected to disrupt FAM111A protein function with a negative predictive value of 80%. Algorithms developed to predict the effect of sequence changes on RNA splicing suggest that this variant may create or strengthen a splice site. In summary, the available evidence is currently insufficient to determine the role of this variant in disease. Therefore, it has been classified as a Variant of Uncertain Significance.

NM_001312909.2(FAM111A):c.484A>G (p.Ser162Gly)

Gene: FAM111A (FAM111 trypsin like peptidase A; plus strand). Cytogenetic location: 11q12.1.
Variant type: single nucleotide variant.
Coding change: c.484A>G on transcript NM_001312909.2 (MANE Select); coding-DNA position 484, A replaced by G.
Protein change: p.Ser162Gly; replaces serine 162 with glycine.
Molecular consequence: missense variant.
Genome position (GRCh38, 1-based): chr11:59,152,152, A>G. VCF-style: chr11-59152152-A-G. GRCh37 (hg19) VCF-style: chr11-58919625-A-G.
Other names: c.484A>G, p.Ser162Gly (NM_001142520.3, NM_001142521.3, NM_001312910.2 and 29 more transcripts); short protein forms S162G.
Identifiers: ClinVar variation 2983797 (VCV002983797.3), dbSNP rs2496282203, ClinGen allele CA380773687.